The following is an entry in ClinVar:

ClinVar aggregate classification (germline): Benign (1 of 4 stars; one submission).

Allele frequency attached by ClinVar (database versions not stated): gnomAD exomes 0.55762; 1000 Genomes Project 0.58446; 1000 Genomes Project 30x 0.58651; gnomAD 0.59455 and 0.59969; TOPMed 0.60349.

Submission:

GeneDx
Classification: Benign. Last evaluated: 2018-06-19. Review status: criteria provided, single submitter. Criteria: GeneDx Variant Classification (06012015). Collection method: clinical testing. Allele origin: germline. Affected: yes.
Comment: This variant is considered likely benign or benign based on one or more of the following criteria: it is a conservative change, it occurs at a poorly conserved position in the protein, it is predicted to be benign by multiple in silico algorithms, and/or has population frequency not consistent with disease.

NM_001083961.2(WDR62):c.2521-140C>T

Gene: WDR62 (WD repeat domain 62; plus strand). Cytogenetic location: 19q13.12.
Variant type: single nucleotide variant.
Coding change: c.2521-140C>T on transcript NM_001083961.2 (MANE Select); 140 bases into the intron before coding-DNA position 2521, C replaced by T.
Molecular consequence: intron variant.
Genome position (GRCh38, 1-based): chr19:36,099,259, C>T. VCF-style: chr19-36099259-C-T. GRCh37 (hg19) VCF-style: chr19-36590161-C-T.
Other names: c.2521-140C>T (NM_173636.5).
Identifiers: ClinVar variation 670284 (VCV000670284.1), dbSNP rs12982375, ClinGen allele CA14702021.